The following is an entry in ClinVar:

NM_006790.3(MYOT):c.1481A>C (p.Glu494Ala)

Genes: MYOT (myotilin; plus strand), PKD2L2-DT (PKD2L2 divergent transcript; minus strand). Cytogenetic location: 5q31.2.
Variant type: single nucleotide variant.
Coding change: c.1481A>C on transcript NM_006790.3 (MANE Select); coding-DNA position 1481, A replaced by C.
Protein change: p.Glu494Ala; replaces glutamic acid 494 with alanine.
Molecular consequence: missense variant.
Genome position (GRCh38, 1-based): chr5:137,887,369, A>C. VCF-style: chr5-137887369-A-C. GRCh37 (hg19) VCF-style: chr5-137223058-A-C.
Other names: c.929A>C, p.Glu310Ala (NM_001135940.2); c.1136A>C, p.Glu379Ala (NM_001300911.2); short protein forms E379A, E310A, E494A.
Identifiers: ClinVar variation 1446623 (VCV001446623.9), dbSNP rs781052225, ClinGen allele CA3423211.

ClinVar aggregate classification (germline): Uncertain significance. Review status: criteria provided, multiple submitters, no conflicts (2 of 4 stars). 2 submissions from 2 submitters: Uncertain significance (2). Last evaluated 2026-02-23.

Conditions:
Myofibrillar myopathy 3 (MFM3). Also called: Autosomal dominant spheroid body myopathy; Muscular dystrophy, proximal, type 1A. Identifiers: Orphanet 266, Orphanet 268129, MedGen C3714934, MONDO:0012215, OMIM 609200.

Allele frequency attached by ClinVar (database versions not stated): gnomAD exomes 0.00001 and 0.00002; ExAC 0.00002.
gnomAD v4.1: 6 of 1,614,002 alleles (0.00037%); highest among the groups gnomAD compares: East Asian, 0.013%; no homozygotes.

Submissions (2):

Women's Health and Genetics/Laboratory Corporation of America, LabCorp
Classification: Uncertain significance. Last evaluated: 2026-02-23. Review status: criteria provided, single submitter. Criteria: LabCorp Variant Classification Summary - May 2015. Collection method: clinical testing. Allele origin: germline.

Labcorp Genetics (formerly Invitae), Labcorp
Classification: Uncertain significance for Myofibrillar myopathy 3. Last evaluated: 2021-06-28. Review status: criteria provided, single submitter. Criteria: Invitae Variant Classification Sherloc (09022015). Collection method: clinical testing. Allele origin: germline.
Comment: In summary, the available evidence is currently insufficient to determine the role of this variant in disease. Therefore, it has been classified as a Variant of Uncertain Significance. Algorithms developed to predict the effect of missense changes on protein structure and function (SIFT, PolyPhen-2, Align-GVGD) all suggest that this variant is likely to be disruptive, but these predictions have not been confirmed by published functional studies and their clinical significance is uncertain. This variant has not been reported in the literature in individuals with MYOT-related conditions. This variant is present in population databases (rs781052225, ExAC 0.02%). This sequence change replaces glutamic acid with alanine at codon 494 of the MYOT protein (p.Glu494Ala). The glutamic acid residue is highly conserved and there is a moderate physicochemical difference between glutamic acid and alanine.